The following is an entry in ClinVar:

ClinVar aggregate classification (germline): Conflicting classifications of pathogenicity. Review status: criteria provided, conflicting classifications (1 of 4 stars). 7 submissions from 7 submitters: Likely pathogenic (1); Uncertain significance (4). 2 of the submissions do not count toward it. Last evaluated 2026-10-19.

Conditions:
Smith-Lemli-Opitz syndrome (SLOS). Also called: POLYDACTYLY, SEX REVERSAL, RENAL HYPOPLASIA, AND UNILOBAR LUNG; RSH SYNDROME; RUTLEDGE LETHAL MULTIPLE CONGENITAL ANOMALY SYNDROME; 7-Dehydrocholesterol reductase deficiency; LETHAL ACRODYSGENITAL SYNDROME. Identifiers: Orphanet 818, MedGen C0175694, MONDO:0010035, OMIM 270400.
Inborn genetic diseases. Identifiers: MedGen C0950123, MeSH D030342.

Allele frequency attached by ClinVar (database versions not stated): ExAC 0.00003; gnomAD exomes 0.00004; TOPMed 0.00004.
gnomAD v4.1: 16 of 1,613,926 alleles (0.00099%); highest among the groups gnomAD compares: Admixed American, 0.017%; no homozygotes.

Submissions (7):

GeneDx
Classification: Likely pathogenic. Last evaluated: 2026-10-19. Review status: criteria provided, single submitter. Criteria: GeneDx Variant Classification Process June 2021. Collection method: clinical testing. Allele origin: germline.
Comment: Observed in heterozygous state in an individual with autism spectrum disorder (PMID: 28250423); In silico analysis supports that this missense variant has a deleterious effect on protein structure/function; This variant is associated with the following publications: (PMID: 28250423)

Myriad Genetics, Inc.
Classification: Uncertain significance for Smith-Lemli-Opitz syndrome. Last evaluated: 2026-01-20. Review status: criteria provided, single submitter. Criteria: Myriad Autosomal Dominant, Autosomal Recessive and X-Linked Classification Criteria (2023). Collection method: clinical testing. Allele origin: unknown.
Comment: NM_001360.2(DHCR7):c.770C>T(A257V) is a missense variant classified as a variant of uncertain significance in the context of Smith-Lemli-Opitz syndrome. A257V has not been observed in cases with relevant disease. Relevant functional assessments of this variant are not available in the literature. A257V has been observed in referenced population frequency databases. In summary, there is insufficient evidence to classify NM_001360.2(DHCR7):c.770C>T(A257V) as pathogenic or benign. Please note: this variant was assessed in the context of healthy population screening.

Ambry Genetics
Classification: Uncertain significance for Inborn genetic diseases. Last evaluated: 2025-09-12. Review status: criteria provided, single submitter. Criteria: Ambry Variant Classification Scheme 2023. Collection method: clinical testing. Allele origin: germline.
Comment: The c.770C>T (p.A257V) alteration is located in exon 7 (coding exon 5) of the DHCR7 gene. This alteration results from a C to T substitution at nucleotide position 770, causing the alanine (A) at amino acid position 257 to be replaced by a valine (V). Based on data from gnomAD, the T allele has an overall frequency of 0.004% (11/251264) total alleles studied. The highest observed frequency was 0.023% (8/34588) of Latino alleles. This amino acid position is highly conserved in available vertebrate species. The in silico prediction for this alteration is inconclusive. Based on insufficient or conflicting evidence, the clinical significance of this alteration remains unclear.

Fulgent Genetics
Classification: Uncertain significance for Smith-Lemli-Opitz syndrome. Last evaluated: 2024-05-21. Review status: criteria provided, single submitter. Criteria: ACMG Guidelines, 2015. Collection method: clinical testing. Allele origin: germline.

Labcorp Genetics (formerly Invitae), Labcorp
Classification: Uncertain significance for Smith-Lemli-Opitz syndrome. Last evaluated: 2022-08-01. Review status: criteria provided, single submitter. Criteria: Invitae Variant Classification Sherloc (09022015). Collection method: clinical testing. Allele origin: germline.
Comment: This sequence change replaces alanine, which is neutral and non-polar, with valine, which is neutral and non-polar, at codon 257 of the DHCR7 protein (p.Ala257Val). This variant is present in population databases (rs770925697, gnomAD 0.02%). This variant has not been reported in the literature in individuals affected with DHCR7-related conditions. ClinVar contains an entry for this variant (Variation ID: 521214). Advanced modeling of protein sequence and biophysical properties (such as structural, functional, and spatial information, amino acid conservation, physicochemical variation, residue mobility, and thermodynamic stability) performed at Invitae indicates that this missense variant is expected to disrupt DHCR7 protein function. In summary, the available evidence is currently insufficient to determine the role of this variant in disease. Therefore, it has been classified as a Variant of Uncertain Significance.

Natera, Inc.
Classification: Uncertain significance for Smith-Lemli-Opitz syndrome. Last evaluated: 2018-07-24. Review status: no assertion criteria provided. Collection method: clinical testing. Allele origin: germline. Not counted in ClinVar's aggregate classification.

Counsyl
Classification: Uncertain significance for Smith-Lemli-Opitz syndrome. Last evaluated: 2018-04-18. Review status: no assertion criteria provided. Collection method: clinical testing. Allele origin: unknown. Not counted in ClinVar's aggregate classification.

NM_001360.3(DHCR7):c.770C>T (p.Ala257Val)

Gene: DHCR7 (7-dehydrocholesterol reductase; minus strand). Cytogenetic location: 11q13.4.
Variant type: single nucleotide variant.
Coding change: c.770C>T on transcript NM_001360.3 (MANE Select); coding-DNA position 770, C replaced by T.
Protein change: p.Ala257Val; replaces alanine 257 with valine.
Molecular consequence: missense variant.
Genome position (GRCh38, 1-based): chr11:71,438,940, G>A on the plus strand (C>T on the coding strand, the complement: DHCR7 is on the minus strand). VCF-style: chr11-71438940-G-A. GRCh37 (hg19) VCF-style: chr11-71149986-G-A.
Other names: c.770C>T, p.Ala257Val (NM_001163817.2); short protein forms A257V.
Identifiers: ClinVar variation 521214 (VCV000521214.17), dbSNP rs770925697, ClinGen allele CA6162465.
Genomic context (GRCh38, chr11:71,438,940, plus strand): 5'-TGCAGGACGTTGACCAGGACCATGGCATTGGTCACATGGCTGTGGAGCTCCCGCTGCTTC[G>A]CTGCGAAGGACAGGTTGATGAGGGTCCAGGCGACGATCCCGGGGCGCCCATTGAAGAACA-3'
Protein context (NP_001351.2, residues 247-267): AWTLINLSFA[Ala257Val]KQRELHSHVT